The following is an entry in ClinVar:

NM_001353214.3(DYM):c.1301C>T (p.Ser434Phe)

Gene: DYM (dymeclin; minus strand). Cytogenetic location: 18q21.1.
Variant type: single nucleotide variant.
Coding change: c.1301C>T on transcript NM_001353214.3 (MANE Select); coding-DNA position 1301, C replaced by T.
Protein change: p.Ser434Phe; replaces serine 434 with phenylalanine.
Molecular consequence: missense variant.
Genome position (GRCh38, 1-based): chr18:49,258,444, G>A on the plus strand (C>T on the coding strand, the complement: DYM is on the minus strand). VCF-style: chr18-49258444-G-A. GRCh37 (hg19) VCF-style: chr18-46784814-G-A.
Other names: c.1298C>T, p.Ser433Phe (NM_001353210.3, NM_001353211.3, NM_001353212.3 and 3 more transcripts); c.1301C>T, p.Ser434Phe (NM_001353215.3, NM_001353216.3, NM_001374428.1 and 5 more transcripts); c.1295C>T, p.Ser432Phe (NM_001374429.1, NM_001374439.1); c.1175C>T, p.Ser392Phe (NM_001374432.1, NM_001374436.1); c.1118C>T, p.Ser373Phe (NM_001374437.1); c.1073C>T, p.Ser358Phe (NM_001374440.1); c.731C>T, p.Ser244Phe (NM_001374441.1, NM_001374442.1, NM_001374444.1); c.728C>T, p.Ser243Phe (NM_001374443.1); short protein forms S358F, S373F, S432F, S392F, S434F, S243F, S244F, S433F.
Identifiers: ClinVar variation 1510152 (VCV001510152.6), dbSNP rs2145170036, ClinGen allele CA402506842.
Genomic context (GRCh38, chr18:49,258,444, plus strand): 5'-GTCCTAGTCATGTTGTATTGAATGGTTCTTATTACCACCAGGATCAGGAGACTCCCCAAG[G>A]AGATTTCAGTTAAAACTCGTTCTGAATACCAAGTAATATTTTTTAGTATCTGTAATGGGG-3'
Protein context (NP_001340143.1, residues 424-444): WYSERVLTEI[Ser434Phe]LGSLLILVVI

ClinVar aggregate classification (germline): Uncertain significance (1 of 4 stars; one submission).

Submission:

Labcorp Genetics (formerly Invitae), Labcorp
Classification: Uncertain significance. Last evaluated: 2022-07-05. Review status: criteria provided, single submitter. Criteria: Invitae Variant Classification Sherloc (09022015). Collection method: clinical testing. Allele origin: germline.
Comment: In summary, the available evidence is currently insufficient to determine the role of this variant in disease. Therefore, it has been classified as a Variant of Uncertain Significance. Algorithms developed to predict the effect of missense changes on protein structure and function (SIFT, PolyPhen-2, Align-GVGD) all suggest that this variant is likely to be disruptive. ClinVar contains an entry for this variant (Variation ID: 1510152). This variant has not been reported in the literature in individuals affected with DYM-related conditions. This variant is not present in population databases (gnomAD no frequency). This sequence change replaces serine, which is neutral and polar, with phenylalanine, which is neutral and non-polar, at codon 434 of the DYM protein (p.Ser434Phe).